The following is an entry in ClinVar:

ClinVar aggregate classification (germline): Likely benign. Review status: criteria provided, multiple submitters, no conflicts (2 of 4 stars). 2 submissions from 2 submitters: Likely benign (2). Last evaluated 2025-06-03.

Allele frequency attached by ClinVar (database versions not stated): gnomAD exomes 0.00002.
gnomAD v4.1: 21 of 1,548,352 alleles (0.0014%); highest among the groups gnomAD compares: Non-Finnish European, 0.0018%; no homozygotes.

Submissions (2):

Mayo Clinic Laboratories, Mayo Clinic
Classification: Likely benign. Last evaluated: 2025-06-03. Review status: criteria provided, single submitter. Criteria: ACMG Guidelines, 2015. Collection method: clinical testing. Allele origin: germline. Observed: 1 variant allele.
Comment: BP4, BP7

Labcorp Genetics (formerly Invitae), Labcorp
Classification: Likely benign. Last evaluated: 2022-11-20. Review status: criteria provided, single submitter. Criteria: Invitae Variant Classification Sherloc (09022015). Collection method: clinical testing. Allele origin: germline.

NM_004715.5(CTDP1):c.2703A>G (p.Ala901=)

Gene: CTDP1 (CTD phosphatase subunit 1; plus strand). Cytogenetic location: 18q23.
Variant type: single nucleotide variant.
Coding change: c.2703A>G on transcript NM_004715.5 (MANE Select); coding-DNA position 2703, A replaced by G.
Protein change: p.Ala901=; no amino-acid change (alanine 901 retained).
Molecular consequence: synonymous variant. On other transcripts: missense variant (1), intron variant (1).
Genome position (GRCh38, 1-based): chr18:79,736,477, A>G. VCF-style: chr18-79736477-A-G. GRCh37 (hg19) VCF-style: chr18-77496477-A-G.
Other names: p.Ala901=; c.2346A>G, p.Ala782= (NM_001202504.1); c.2540A>G, p.His847Arg (NM_048368.4); c.2580+7408A>G (NM_001318511.2); short protein forms H847R.
Identifiers: ClinVar variation 2905725 (VCV002905725.4), dbSNP rs1052496438, ClinGen allele CA303785755.